The following is an entry in ClinVar:

ClinVar aggregate classification (germline): Uncertain significance (1 of 4 stars; one submission).

Conditions:
Hereditary cancer-predisposing syndrome. Also called: Neoplastic Syndromes, Hereditary; Tumor predisposition; Hereditary Cancer Syndrome; Hereditary neoplastic syndrome. Identifiers: Orphanet 140162, MedGen C0027672, MeSH D009386, MONDO:0015356.

Submission:

Ambry Genetics
Classification: Uncertain significance for Hereditary cancer-predisposing syndrome. Last evaluated: 2026-06-12. Review status: criteria provided, single submitter. Criteria: Ambry Variant Classification Scheme 2023. Collection method: clinical testing. Allele origin: germline.
Comment: The p.T1361N variant (also known as c.4082C>A), located in coding exon 20 of the MET gene, results from a C to A substitution at nucleotide position 4082. The threonine at codon 1361 is replaced by asparagine, an amino acid with similar properties. This amino acid position is conserved. In addition, this alteration is predicted to be tolerated by in silico analysis. Based on the available evidence, the clinical significance of this variant remains unclear.

NM_000245.4(MET):c.4028C>A (p.Thr1343Asn)

Gene: MET (MET proto-oncogene, receptor tyrosine kinase; plus strand). Cytogenetic location: 7q31.2.
Variant type: single nucleotide variant.
Coding change: c.4028C>A on transcript NM_000245.4 (MANE Select); coding-DNA position 4028, C replaced by A.
Protein change: p.Thr1343Asn; replaces threonine 1343 with asparagine.
Molecular consequence: missense variant.
Genome position (GRCh38, 1-based): chr7:116,795,979, C>A. VCF-style: chr7-116795979-C-A. GRCh37 (hg19) VCF-style: chr7-116436033-C-A.
Other names: c.4082C>A, p.Thr1361Asn (NM_001127500.3); c.2738C>A, p.Thr913Asn (NM_001324402.2); short protein forms T1343N, T1361N, T913N.
Identifiers: ClinVar variation 4860009 (VCV004860009.1).
Genomic context (GRCh38, chr7:116,795,979, plus strand): 5'-AAGCCGAAATGCGCCCATCCTTTTCTGAACTGGTGTCCCGGATATCAGCGATCTTCTCTA[C>A]TTTCATTGGGGAGCACTATGTCCATGTGAACGCTACTTATGTGAACGTAAAATGTGTCGC-3'
Protein context (NP_000236.2, residues 1333-1353): LVSRISAIFS[Thr1343Asn]FIGEHYVHVN